The following is an entry in ClinVar:

ClinVar aggregate classification (germline): Uncertain significance (1 of 4 stars; one submission).

Conditions:
Neuropathy, hereditary sensory, type 2C. Also called: Hereditary sensory and autonomic neuropathy type IIC; KIF1A-Related HSAN2 (HSAN2C). Identifiers: Orphanet 970, MedGen C3280168, MONDO:0013634, OMIM 614213.
Intellectual disability, autosomal dominant 9 (NESCAVS). Also called: NESCAV SYNDROME; KIF1A-Related Neurodevelopmental Disorder. Identifiers: Orphanet 662367, MedGen C5393830, MONDO:0013656, OMIM 614255.
Hereditary spastic paraplegia 30. Identifiers: Orphanet 101010, MedGen C5235139, MONDO:0012476.

Submission:

Labcorp Genetics (formerly Invitae), Labcorp
Classification: Uncertain significance for Hereditary spastic paraplegia 30; Neuropathy, hereditary sensory, type 2C; Intellectual disability, autosomal dominant 9. Last evaluated: 2021-11-27. Review status: criteria provided, single submitter. Criteria: Invitae Variant Classification Sherloc (09022015). Collection method: clinical testing. Allele origin: germline.
Comment: In summary, the available evidence is currently insufficient to determine the role of this variant in disease. Therefore, it has been classified as a Variant of Uncertain Significance. Variants that disrupt the consensus splice site are a relatively common cause of aberrant splicing (PMID: 17576681, 9536098). Algorithms developed to predict the effect of sequence changes on RNA splicing suggest that this variant may disrupt the consensus splice site. This variant has not been reported in the literature in individuals affected with KIF1A-related conditions. This variant is not present in population databases (gnomAD no frequency). This sequence change affects codon 1171 of the KIF1A mRNA. It is a 'silent' change, meaning that it does not change the encoded amino acid sequence of the KIF1A protein. This variant also falls at the last nucleotide of exon 33, which is part of the consensus splice site for this exon.

Literature cited by the submitters: PubMed 17576681; PubMed 9536098.

NM_001244008.2(KIF1A):c.3816G>A (p.Gln1272=)

Genes: KIF1A (kinesin family member 1A; minus strand), LOC126806583 (P300/CBP strongly-dependent group 1 enhancer GRCh37_chr2:241678910-241680109; plus strand). Cytogenetic location: 2q37.3.
Variant type: single nucleotide variant.
Coding change: c.3816G>A on transcript NM_001244008.2 (MANE Select); coding-DNA position 3816, G replaced by A.
Protein change: p.Gln1272=; no amino-acid change (glutamine 1272 retained).
Molecular consequence: synonymous variant.
Genome position (GRCh38, 1-based): chr2:240,740,298, C>T on the plus strand (G>A on the coding strand, the complement: KIF1A is on the minus strand). VCF-style: chr2-240740298-C-T. GRCh37 (hg19) VCF-style: chr2-241679715-C-T.
Other names: c.3540G>A, p.Gln1180= (NM_001320705.2, NM_001330289.2, NM_001379638.1); c.3615G>A, p.Gln1205= (NM_001330290.2, NM_001379634.1, NM_001379635.1 and 1 more transcripts); c.3891G>A, p.Gln1297= (NM_001379631.1); c.3765G>A, p.Gln1255= (NM_001379632.1); c.3789G>A, p.Gln1263= (NM_001379633.1, NM_001379642.1, NM_001379645.1); c.3513G>A, p.Gln1171= (NM_001379636.1, NM_001379639.1, NM_001379641.1 and 6 more transcripts); c.3588G>A, p.Gln1196= (NM_001379637.1, NM_001379648.1); c.3510G>A, p.Gln1170= (NM_001379640.1).
Identifiers: ClinVar variation 2088909 (VCV002088909.4), dbSNP rs2537149128, ClinGen allele CA432025010.